The following is an entry in ClinVar:

ClinVar aggregate classification (germline): Uncertain significance (1 of 4 stars; one submission).

Conditions:
VPS13A-related neurodegenerative disease. Also called: LEVINE-CRITCHLEY SYNDROME; Choreaacanthocytosis; ACANTHOCYTOSIS WITH NEUROLOGIC DISORDER; Choreoacanthocytosis; Chorea-acanthocytosis; VPS13A Disease. Identifiers: Orphanet 2388, MedGen C0393576, MONDO:0008695, OMIM 200150.

gnomAD v4.1: 1 of 1,610,778 alleles (0.000062%); highest among the groups gnomAD compares: Admixed American, 0.0017%; no homozygotes.

Submission:

3billion
Classification: Uncertain significance for VPS13A-related neurodegenerative disease. Last evaluated: 2025-12-17. Review status: criteria provided, single submitter. Criteria: ACMG Guidelines, 2015. Collection method: clinical testing. Allele origin: germline. Affected: yes.
Comment: The variant is observed at an extremely low frequency in the gnomAD v4.1.0 dataset (total allele frequency: <0.001%). Predicted Consequence/Location: Intron variant In silico tools predict the variant to alter splicing and produce an abnormal transcript [SpliceAI: 0.34 (>=0.2, moderate evidence for spliceogenicity)]. Therefore, this variant is classified as VUS according to the recommendation of ACMG/AMP guideline.

NM_033305.3(VPS13A):c.9189+2520G>A

Gene: VPS13A (vacuolar protein sorting 13 homolog A; plus strand). Cytogenetic location: 9q21.2.
Variant type: single nucleotide variant.
Coding change: c.9189+2520G>A on transcript NM_033305.3 (MANE Select); 2520 bases into the intron after coding-DNA position 9189, G replaced by A.
Molecular consequence: intron variant. On other transcripts: nonsense (1).
Genome position (GRCh38, 1-based): chr9:77,384,607, G>A. VCF-style: chr9-77384607-G-A. GRCh37 (hg19) VCF-style: chr9-79999523-G-A.
Other names: c.9212G>A, p.Trp3071Ter (NM_015186.4); c.9072+2520G>A (NM_001018037.2); short protein forms W3071*.
Identifiers: ClinVar variation 4855804 (VCV004855804.1).